The following is an entry in ClinVar:

ClinVar aggregate classification (germline): Uncertain significance (1 of 4 stars; one submission).

Conditions:
ABCB11-related disorder. Also called: ABCB11-related condition.

Submission:

PreventionGenetics, part of Exact Sciences
Classification: Uncertain significance for ABCB11-related condition. Last evaluated: 2022-11-28. Review status: criteria provided, single submitter. Criteria: ACMG Guidelines, 2015. Collection method: clinical testing. Allele origin: germline.
Comment: The ABCB11 c.1297C>T variant is predicted to result in the amino acid substitution p.Pro433Ser. To our knowledge, this variant has not been reported in the literature or in a large population database, indicating this variant is rare. At this time, the clinical significance of this variant is uncertain due to the absence of conclusive functional and genetic evidence.

NM_003742.4(ABCB11):c.1297C>T (p.Pro433Ser)

Gene: ABCB11 (ATP binding cassette subfamily B member 11; minus strand). Cytogenetic location: 2q31.1.
Variant type: single nucleotide variant.
Coding change: c.1297C>T on transcript NM_003742.4 (MANE Select); coding-DNA position 1297, C replaced by T.
Protein change: p.Pro433Ser; replaces proline 433 with serine.
Molecular consequence: missense variant.
Genome position (GRCh38, 1-based): chr2:168,976,588, G>A on the plus strand (C>T on the coding strand, the complement: ABCB11 is on the minus strand). VCF-style: chr2-168976588-G-A. GRCh37 (hg19) VCF-style: chr2-169833098-G-A.
Other names: short protein forms P433S.
Identifiers: ClinVar variation 2635210 (VCV002635210.1), dbSNP rs886044714, ClinGen allele CA349118695.